The following is an entry in ClinVar:

NM_000088.4(COL1A1):c.1238del (p.Gly413fs)

Gene: COL1A1 (collagen type I alpha 1 chain; minus strand). Cytogenetic location: 17q21.33.
Variant type: Deletion.
Coding change: c.1238del on transcript NM_000088.4 (MANE Select); coding-DNA position 1238, one base deleted (G; older notation c.1238delG).
Protein change: p.Gly413fs; shifts the reading frame from glycine 413.
Molecular consequence: frameshift variant.
Genome position (GRCh38, 1-based): chr17:50,195,293, C deleted on the plus strand (G on the coding strand, the reverse complement: COL1A1 is on the minus strand); the first of 2 consecutive C bases (chr17:50,195,293-50,195,294); deleting either gives the same sequence. VCF-style (leftmost placement, unchanged base first): chr17-50195292-AC-A. GRCh37 (hg19) VCF-style: chr17-48272653-AC-A.
Other names: short protein forms G413fs.
Identifiers: ClinVar variation 2743349 (VCV002743349.3), dbSNP rs2509226076, ClinGen allele CA2697560369.

ClinVar aggregate classification (germline): Pathogenic (1 of 4 stars; one submission).

Conditions:
Osteogenesis imperfecta type I (OI1). Also called: Lobstein's Disease; Lobstein disease; OI, TYPE I; OSTEOGENESIS IMPERFECTA TARDA; OSTEOGENESIS IMPERFECTA WITH BLUE SCLERAE; Osteogenesis imperfecta type 1. Identifiers: Orphanet 216796, Orphanet 666, MedGen C0023931, MONDO:0008146, OMIM 166200. Disease mechanism: loss of function.

Submission:

Labcorp Genetics (formerly Invitae), Labcorp
Classification: Pathogenic for Osteogenesis imperfecta type I. Last evaluated: 2023-08-20. Review status: criteria provided, single submitter. Criteria: Invitae Variant Classification Sherloc (09022015). Collection method: clinical testing. Allele origin: germline.
Comment: For these reasons, this variant has been classified as Pathogenic. This variant has not been reported in the literature in individuals affected with COL1A1-related conditions. This variant is not present in population databases (gnomAD no frequency). This sequence change creates a premature translational stop signal (p.Gly413Valfs*128) in the COL1A1 gene. It is expected to result in an absent or disrupted protein product. Loss-of-function variants in COL1A1 are known to be pathogenic (PMID: 7942841, 9295084, 9443882).

Literature cited by the submitters: PubMed 7942841; PubMed 9295084; PubMed 9443882.